The following is an entry in ClinVar:

NM_013296.5(GPSM2):c.379C>T (p.Arg127Ter)

Gene: GPSM2 (G protein signaling modulator 2; plus strand). Cytogenetic location: 1p13.3.
Variant type: single nucleotide variant.
Coding change: c.379C>T on transcript NM_013296.5 (MANE Select); coding-DNA position 379, C replaced by T.
Protein change: p.Arg127Ter; replaces arginine 127 with a stop codon.
Molecular consequence: nonsense.
Genome position (GRCh38, 1-based): chr1:108,897,592, C>T. VCF-style: chr1-108897592-C-T. GRCh37 (hg19) VCF-style: chr1-109440214-C-T.
Other names: NM_013296.4:c.379C>T, p.(Arg127*); c.379C>T, p.Arg127Ter (NM_001321038.2, NM_001321039.3); short protein forms R127*.
Identifiers: ClinVar variation 1823 (VCV000001823.5), dbSNP rs267606854, ClinGen allele CA115212.

ClinVar aggregate classification (germline): Pathogenic. Review status: criteria provided, multiple submitters, no conflicts (2 of 4 stars). 5 submissions from 4 submitters: Pathogenic (3). 2 of the submissions do not count toward it. Last evaluated 2025-09-10.

Conditions:
Chudley-McCullough syndrome (CMCS). Also called: Deafness, autosomal recessive 82; DEAFNESS, SENSORINEURAL, WITH PARTIAL AGENESIS OF THE CORPUS CALLOSUM AND ARACHNOID CYSTS. Identifiers: Orphanet 314597, MedGen C1858695, MONDO:0011411, OMIM 604213.
Hearing loss, autosomal recessive. Also called: Deafness, autosomal recessive; Rare autosomal recessive non-syndromic sensorineural deafness type DFNB; Autosomal recessive nonsyndromic deafness; Nonsyndromic Hearing Loss, Recessive. Identifiers: Orphanet 90635, Orphanet 90636, MedGen C1846647, MONDO:0019588, OMIM 607197.
Breast-ovarian cancer, familial, susceptibility to, 2 (BROVCA2). Also called: BRCA2 Hereditary Breast and Ovarian Cancer. Identifiers: Orphanet 145, MedGen C2675520, MONDO:0012933, OMIM 612555. Disease mechanism: loss of function.

Allele frequency attached by ClinVar (database versions not stated): ExAC 0.00001; gnomAD 0.00001; gnomAD exomes 0.00001; TOPMed 0.00001.

Submissions (5):

Genomic Medicine Center of Excellence, King Faisal Specialist Hospital and Research Centre
Classification: Pathogenic for Chudley-McCullough syndrome. Last evaluated: 2025-09-10. Review status: criteria provided, single submitter. Criteria: ACMG Guidelines, 2015. Collection method: clinical testing. Allele origin: germline.

Genomic Medicine Center of Excellence, King Faisal Specialist Hospital and Research Centre
Classification: Pathogenic for Breast-ovarian cancer, familial, susceptibility to, 2. Last evaluated: 2024-12-17. Review status: criteria provided, single submitter. Criteria: ACMG Guidelines, 2015. Collection method: clinical testing. Allele origin: germline.

King Laboratory, University of Washington
Classification: Pathogenic for Chudley-McCullough syndrome. Last evaluated: 2020-08-01. Review status: criteria provided, single submitter. Criteria: Abu Rayyan A et al. (Proc Natl Acad Sci U S A 2020). Collection method: research. Allele origin: germline. Affected: yes.
Comment: GPSM2 c.379C>T leads to a stop at codon 127. It is homozygous in 6 children with severe to profound pre-lingual hearing loss and ID in an extended Palestinian kindred (Abu Rayyan 2020). It is absent from 1300 Palestinian controls and is present in 4/282630 allele on gnomAD, all heterozygotes.

Hereditary Research Laboratory, Bethlehem University
Classification: Pathogenic for Hearing loss, autosomal recessive. Last evaluated: 2016-06-04. Review status: no assertion criteria provided. Collection method: research. Allele origin: germline. Affected: yes. Not counted in ClinVar's aggregate classification.
Comment: Severe to Profound

OMIM
Classification: Pathogenic for CHUDLEY-MCCULLOUGH SYNDROME. Last evaluated: 2012-06-08. Review status: no assertion criteria provided. Collection method: literature only. Allele origin: germline. Not counted in ClinVar's aggregate classification.

Literature cited by the submitters: PubMed 20602914 (cited by OMIM); PubMed 22578326 (cited by OMIM).